The following is an entry in ClinVar:

ClinVar aggregate classification (germline): Uncertain significance. Review status: criteria provided, multiple submitters, no conflicts (2 of 4 stars). 3 submissions from 3 submitters: Uncertain significance (3). Last evaluated 2026-02-03.

Conditions:
Catecholaminergic polymorphic ventricular tachycardia 1. Also called: VENTRICULAR TACHYCARDIA, CATECHOLAMINERGIC POLYMORPHIC, 1, WITH OR WITHOUT ATRIAL DYSFUNCTION AND/OR DILATED CARDIOMYOPATHY; RYR2-Related Catecholaminergic Polymorphic Ventricular Tachycardia; VENTRICULAR TACHYCARDIA, STRESS-INDUCED POLYMORPHIC 1. Identifiers: Orphanet 3286, MedGen C1631597, MONDO:0011484, OMIM 604772.
Catecholaminergic polymorphic ventricular tachycardia (CVPT). Also called: Catecholamine-induced polymorphic ventricular tachycardia. Identifiers: Orphanet 3286, MedGen C5574922, MONDO:0017990.
Cardiomyopathy (CMYO). Also called: Cardiomyopathies. Identifiers: Orphanet 167848, MedGen C0878544, MONDO:0004994, HP:0001638. Inheritance: Various modes of inheritance.

Allele frequency attached by ClinVar (database versions not stated): gnomAD exomes below 0.00001; ExAC 0.00001; gnomAD 0.00001.
gnomAD v4.1: 5 of 1,613,712 alleles (0.00031%); highest among the groups gnomAD compares: Middle Eastern, 0.016%; no homozygotes.

Submissions (3):

Labcorp Genetics (formerly Invitae), Labcorp
Classification: Uncertain significance for Catecholaminergic polymorphic ventricular tachycardia 1. Last evaluated: 2026-02-03. Review status: criteria provided, single submitter. Criteria: Invitae Variant Classification Sherloc (09022015). Collection method: clinical testing. Allele origin: germline.
Comment: This sequence change replaces lysine, which is basic and polar, with glutamine, which is neutral and polar, at codon 2042 of the RYR2 protein (p.Lys2042Gln). This variant is present in population databases (rs755505775, gnomAD 0.002%). This variant has not been reported in the literature in individuals affected with RYR2-related conditions. ClinVar contains an entry for this variant (Variation ID: 3071489). Invitae Evidence Modeling of protein sequence and biophysical properties (such as structural, functional, and spatial information, amino acid conservation, physicochemical variation, residue mobility, and thermodynamic stability) indicates that this missense variant is not expected to disrupt RYR2 protein function with a negative predictive value of 95%. In summary, the available evidence is currently insufficient to determine the role of this variant in disease. Therefore, it has been classified as a Variant of Uncertain Significance.

Color Diagnostics, LLC DBA Color Health
Classification: Uncertain significance for Cardiomyopathy. Last evaluated: 2025-06-20. Review status: criteria provided, single submitter. Criteria: ACMG Guidelines, 2015. Collection method: clinical testing. Allele origin: germline.
Comment: This missense variant replaces lysine with glutamine at codon 2042 of the RYR2 protein. Computational prediction suggests that this variant may not impact protein structure and function. To our knowledge, functional studies have not been reported for this variant. This variant has not been reported in individuals affected with RYR2-related disorders in the literature. This variant has been identified in 2/280496 chromosomes in the general population by the Genome Aggregation Database (gnomAD). The available evidence is insufficient to determine the role of this variant in disease conclusively. Therefore, this variant is classified as a Variant of Uncertain Significance.

All of Us Research Program, National Institutes of Health
Classification: Uncertain significance for Catecholaminergic polymorphic ventricular tachycardia. Last evaluated: 2023-06-08. Review status: criteria provided, single submitter. Criteria: ACMG Guidelines, 2015. Collection method: clinical testing. Allele origin: germline. Inheritance: Autosomal dominant inheritance. Observed: 1 variant allele, 1 heterozygote.
Comment: This missense variant replaces lysine with glutamine at codon 2042 of the RYR2 protein. Computational prediction suggests that this variant may not impact protein structure and function (internally defined REVEL score threshold <= 0.5, PMID: 27666373). To our knowledge, functional studies have not been reported for this variant. This variant has not been reported in individuals affected with RYR2-related disorders in the literature. This variant has been identified in 2/280496 chromosomes in the general population by the Genome Aggregation Database (gnomAD). The available evidence is insufficient to determine the role of this variant in disease conclusively. Therefore, this variant is classified as a Variant of Uncertain Significance.

This study involves interpretation of variants in research participants for the purpose of population health screening. Participant phenotype was not available at the time of variant classification. Additional details can be found in publication PMID: 35346344, PMCID: PMC8962531

NM_001035.3(RYR2):c.6124A>C (p.Lys2042Gln)

Gene: RYR2 (ryanodine receptor 2; plus strand). Cytogenetic location: 1q43.
Variant type: single nucleotide variant.
Coding change: c.6124A>C on transcript NM_001035.3 (MANE Select); coding-DNA position 6124, A replaced by C.
Protein change: p.Lys2042Gln; replaces lysine 2042 with glutamine.
Molecular consequence: missense variant.
Genome position (GRCh38, 1-based): chr1:237,625,762, A>C. VCF-style: chr1-237625762-A-C. GRCh37 (hg19) VCF-style: chr1-237789062-A-C.
Other names: short protein forms K2042Q.
Identifiers: ClinVar variation 3071489 (VCV003071489.2), dbSNP rs755505775, ClinGen allele CA087048.
Genomic context (GRCh38, chr1:237,625,762, plus strand): 5'-GATTTAACAATTAGAGGGCGTCTGCTATCCCTGGTAGAAAAGGTGACATATCTGAAGAAG[A>C]AGCAAGCAGAAAAACCAGTTGAGAGTGACTCCAAAAAGTCCTGTAAGCAGTATGAGAGTG-3'
Protein context (NP_001026.2, residues 2032-2052): LVEKVTYLKK[Lys2042Gln]QAEKPVESDS